The following is an entry in ClinVar:

ClinVar aggregate classification (germline): Uncertain significance. Review status: criteria provided, multiple submitters, no conflicts (2 of 4 stars). 6 submissions from 6 submitters: Uncertain significance (6). Last evaluated 2026-04-15.

Conditions:
ATM-related disorder. Also called: ATM-related disorders; ATM-related condition.
Hereditary cancer-predisposing syndrome. Also called: Neoplastic Syndromes, Hereditary; Tumor predisposition; Hereditary Cancer Syndrome; Hereditary neoplastic syndrome. Identifiers: Orphanet 140162, MedGen C0027672, MeSH D009386, MONDO:0015356.
Ataxia-telangiectasia syndrome (AT). Also called: LOUIS-BAR SYNDROME; Cerebello-oculocutaneous telangiectasia; Immunodeficiency with ataxia telangiectasia; Ataxia-telangiectasia, complementation group E; Ataxia-telangiectasia, complementation group D; AT, COMPLEMENTATION GROUP C. Identifiers: Orphanet 100, MedGen C0004135, MONDO:0008840, OMIM 208900.

Allele frequency attached by ClinVar (database versions not stated): gnomAD exomes 0.00001 and 0.00003; TOPMed 0.00001; ExAC 0.00002.

Submissions (6):

PreventionGenetics, part of Exact Sciences
Classification: Uncertain significance for ATM-related condition. Last evaluated: 2026-04-15. Review status: criteria provided, single submitter. Criteria: ACMG Guidelines, 2015. Collection method: clinical testing. Allele origin: germline.
Comment: The ATM c.389A>G variant is predicted to result in the amino acid substitution p.Asp130Gly. To our knowledge, this variant has not been reported in the literature. This variant is reported in 0.023% of alleles in individuals of Latino descent in gnomAD. This variant is interpreted as a variant of uncertain significance in ClinVar (Variation ID: 407591). At this time, the clinical significance of this variant is uncertain due to the absence of conclusive functional and genetic evidence.

Labcorp Genetics (formerly Invitae), Labcorp
Classification: Uncertain significance for Ataxia-telangiectasia syndrome. Last evaluated: 2025-08-18. Review status: criteria provided, single submitter. Criteria: Invitae Variant Classification Sherloc (09022015). Collection method: clinical testing. Allele origin: germline.
Comment: This sequence change replaces aspartic acid, which is acidic and polar, with glycine, which is neutral and non-polar, at codon 130 of the ATM protein (p.Asp130Gly). This variant is present in population databases (rs766034066, gnomAD 0.02%). This variant has not been reported in the literature in individuals affected with ATM-related conditions. ClinVar contains an entry for this variant (Variation ID: 407591). Invitae Evidence Modeling of protein sequence and biophysical properties (such as structural, functional, and spatial information, amino acid conservation, physicochemical variation, residue mobility, and thermodynamic stability) indicates that this missense variant is not expected to disrupt ATM protein function with a negative predictive value of 95%. In summary, the available evidence is currently insufficient to determine the role of this variant in disease. Therefore, it has been classified as a Variant of Uncertain Significance.

Quest Diagnostics Nichols Institute San Juan Capistrano
Classification: Uncertain significance. Last evaluated: 2024-04-14. Review status: criteria provided, single submitter. Criteria: Quest Diagnostics criteria. Collection method: clinical testing. Allele origin: unknown.

Color Diagnostics, LLC DBA Color Health
Classification: Uncertain significance for Hereditary cancer-predisposing syndrome. Last evaluated: 2024-03-06. Review status: criteria provided, single submitter. Criteria: ACMG Guidelines, 2015. Collection method: clinical testing. Allele origin: germline.
Comment: This missense variant replaces aspartic acid with glycine at codon 130 of the ATM protein. Computational prediction is inconclusive regarding the impact of this variant on protein structure and function (internally defined REVEL score threshold 0.5 < inconclusive < 0.7, PMID: 27666373). To our knowledge, functional studies have not been reported for this variant. This variant has not been reported in individuals affected with hereditary cancer in the literature. This variant has been identified in 8/251278 chromosomes in the general population by the Genome Aggregation Database (gnomAD). The available evidence is insufficient to determine the role of this variant in disease conclusively. Therefore, this variant is classified as a Variant of Uncertain Significance.

GeneDx
Classification: Uncertain significance. Last evaluated: 2023-12-12. Review status: criteria provided, single submitter. Criteria: GeneDx Variant Classification Process June 2021. Collection method: clinical testing. Allele origin: germline. Affected: yes.
Comment: In silico analysis supports that this missense variant has a deleterious effect on protein structure/function; Has not been previously published as pathogenic or benign to our knowledge

Ambry Genetics
Classification: Uncertain significance for Hereditary cancer-predisposing syndrome. Last evaluated: 2023-11-19. Review status: criteria provided, single submitter. Criteria: Ambry Variant Classification Scheme 2023. Collection method: clinical testing. Allele origin: germline.
Comment: The p.D130G variant (also known as c.389A>G), located in coding exon 4 of the ATM gene, results from an A to G substitution at nucleotide position 389. The aspartic acid at codon 130 is replaced by glycine, an amino acid with similar properties. This amino acid position is well conserved in available vertebrate species. In addition, this alteration is predicted to be tolerated by in silico analysis. Since supporting evidence is limited at this time, the clinical significance of this alteration remains unclear.

Literature cited by the submitters: PubMed 38489015 (cited by Quest Diagnostics Nichols Institute San Juan Capistrano).

NM_000051.4(ATM):c.389A>G (p.Asp130Gly)

Gene: ATM (ATM serine/threonine kinase; plus strand). Cytogenetic location: 11q22.3.
Variant type: single nucleotide variant.
Coding change: c.389A>G on transcript NM_000051.4 (MANE Select); coding-DNA position 389, A replaced by G.
Protein change: p.Asp130Gly; replaces aspartic acid 130 with glycine.
Molecular consequence: missense variant.
Genome position (GRCh38, 1-based): chr11:108,235,727, A>G. VCF-style: chr11-108235727-A-G. GRCh37 (hg19) VCF-style: chr11-108106454-A-G.
Other names: c.389A>G, p.Asp130Gly (NM_001351834.2); short protein forms D130G.
Identifiers: ClinVar variation 407591 (VCV000407591.21), dbSNP rs766034066, ClinGen allele CA6264598.